The following is an entry in ClinVar:

ClinVar aggregate classification (germline): Uncertain significance. Review status: criteria provided, multiple submitters, no conflicts (2 of 4 stars). 3 submissions from 3 submitters: Uncertain significance (3). Last evaluated 2025-05-10.

Conditions:
Hereditary cancer-predisposing syndrome. Also called: Tumor predisposition; Hereditary Cancer Syndrome; Hereditary neoplastic syndrome; Neoplastic Syndromes, Hereditary. Identifiers: Orphanet 140162, MedGen C0027672, MeSH D009386, MONDO:0015356.
Microcephaly, normal intelligence and immunodeficiency (NBS). Also called: IMMUNODEFICIENCY, MICROCEPHALY, AND CHROMOSOMAL INSTABILITY; SEEMANOVA SYNDROME II; Nijmegen breakage syndrome; Microcephaly with normal intelligence immunodeficiency and lymphoreticular malignancies; Nonsyndromal microcephaly autosomal recessive with normal intelligence; Seemanova syndrome 2. Identifiers: Orphanet 647, MedGen C0398791, MONDO:0009623, OMIM 251260.

Allele frequency attached by ClinVar (database versions not stated): gnomAD 0.00001.
gnomAD v4.1: 1 of 1,613,804 alleles (0.000062%); highest among the groups gnomAD compares: Non-Finnish European, 0.000085%; no homozygotes.

Submissions (3):

Ambry Genetics
Classification: Uncertain significance for Hereditary cancer-predisposing syndrome. Last evaluated: 2025-05-10. Review status: criteria provided, single submitter. Criteria: Ambry Variant Classification Scheme 2023. Collection method: clinical testing. Allele origin: germline.
Comment: The p.N51K variant (also known as c.153C>A), located in coding exon 2 of the NBN gene, results from a C to A substitution at nucleotide position 153. The asparagine at codon 51 is replaced by lysine, an amino acid with similar properties. This amino acid position is conserved. In addition, this alteration is predicted to be tolerated by in silico analysis. Based on the available evidence, the clinical significance of this variant remains unclear.

Labcorp Genetics (formerly Invitae), Labcorp
Classification: Uncertain significance for Microcephaly, normal intelligence and immunodeficiency. Last evaluated: 2021-04-23. Review status: criteria provided, single submitter. Criteria: Invitae Variant Classification Sherloc (09022015). Collection method: clinical testing. Allele origin: germline.
Comment: In summary, the available evidence is currently insufficient to determine the role of this variant in disease. Therefore, it has been classified as a Variant of Uncertain Significance. Algorithms developed to predict the effect of missense changes on protein structure and function output the following: SIFT: "Deleterious"; PolyPhen-2: "Benign"; Align-GVGD: "Class C0". The lysine amino acid residue is found in multiple mammalian species, suggesting that this missense change does not adversely affect protein function. These predictions have not been confirmed by published functional studies and their clinical significance is uncertain. This variant has not been reported in the literature in individuals with NBN-related conditions. ClinVar contains an entry for this variant (Variation ID: 234780). This variant is not present in population databases (ExAC no frequency). This sequence change replaces asparagine with lysine at codon 51 of the NBN protein (p.Asn51Lys). The asparagine residue is weakly conserved and there is a moderate physicochemical difference between asparagine and lysine.

GeneDx
Classification: Uncertain significance. Last evaluated: 2018-03-05. Review status: criteria provided, single submitter. Criteria: GeneDx Variant Classification (06012015). Collection method: clinical testing. Allele origin: germline. Affected: yes.
Comment: This variant is denoted NBN c.153C>A at the cDNA level, p.Asn51Lys (N51K) at the protein level, and results in the change of an Asparagine to a Lysine (AAC>AAA). This variant has not, to our knowledge, been published in the literature as pathogenic or benign. NBN Asn51Lys was not observed in approximately 6,500 individuals of European and African American ancestry in the NHLBI Exome Sequencing Project, suggesting it is not a common benign variant in these populations. Since Asparagine and Lysine differ in some properties, this is considered a semi-conservative amino acid substitution. NBN Asn51Lys occurs at a position that is not conserved and is located within the FHA domain (UniProt). In silico analyses predict that this variant is unlikely to alter protein structure or function. Based on currently available evidence, it is unclear whether NBN Asn51Lys is a pathogenic or benign variant. We consider it to be a variant of uncertain significance.

NM_002485.5(NBN):c.153C>A (p.Asn51Lys)

Gene: NBN (nibrin; minus strand). Cytogenetic location: 8q21.3.
Variant type: single nucleotide variant.
Coding change: c.153C>A on transcript NM_002485.5 (MANE Select); coding-DNA position 153, C replaced by A.
Protein change: p.Asn51Lys; replaces asparagine 51 with lysine.
Molecular consequence: missense variant. On other transcripts: 5 prime UTR variant (1).
Genome position (GRCh38, 1-based): chr8:89,982,740, G>T on the plus strand (C>A on the coding strand, the complement: NBN is on the minus strand). VCF-style: chr8-89982740-G-T. GRCh37 (hg19) VCF-style: chr8-90994968-G-T.
Other names: c.-144C>A (NM_001024688.3); short protein forms N51K.
Identifiers: ClinVar variation 234780 (VCV000234780.10), dbSNP rs876661214, ClinGen allele CA10577370.